The following is an entry in ClinVar:

NM_080680.3(COL11A2):c.1256C>A (p.Pro419Gln)

Gene: COL11A2 (collagen type XI alpha 2 chain; minus strand). Cytogenetic location: 6p21.32.
Variant type: single nucleotide variant.
Coding change: c.1256C>A on transcript NM_080680.3 (MANE Select); coding-DNA position 1256, C replaced by A.
Protein change: p.Pro419Gln; replaces proline 419 with glutamine.
Molecular consequence: missense variant.
Genome position (GRCh38, 1-based): chr6:33,180,696, G>T on the plus strand (C>A on the coding strand, the complement: COL11A2 is on the minus strand). VCF-style: chr6-33180696-G-T. GRCh37 (hg19) VCF-style: chr6-33148473-G-T.
Other names: c.1076C>A, p.Pro359Gln (NM_001424108.1); c.410C>A, p.Pro137Gln (NM_001424109.1); c.230C>A, p.Pro77Gln (NM_001424110.1, NM_001424111.1); c.935C>A, p.Pro312Gln (NM_080679.3); c.998C>A, p.Pro333Gln (NM_080681.3); short protein forms P312Q, P333Q, P137Q, P359Q, P77Q, P419Q.
Identifiers: ClinVar variation 3781172 (VCV003781172.1).

ClinVar aggregate classification (germline): Uncertain significance (1 of 4 stars; one submission).

Submission:

GeneDx
Classification: Uncertain significance. Last evaluated: 2024-10-16. Review status: criteria provided, single submitter. Criteria: GeneDx Variant Classification Process June 2021. Collection method: clinical testing. Allele origin: germline. Affected: yes.
Comment: Not observed at significant frequency in large population cohorts (gnomAD); In silico analysis supports that this missense variant has a deleterious effect on protein structure/function; Has not been previously published as pathogenic or benign to our knowledge